The following is an entry in ClinVar:

NM_001128205.2(SULF1):c.901G>T (p.Val301Leu)

Gene: SULF1 (sulfatase 1; plus strand). Cytogenetic location: 8q13.3.
Variant type: single nucleotide variant.
Coding change: c.901G>T on transcript NM_001128205.2 (MANE Select); coding-DNA position 901, G replaced by T.
Protein change: p.Val301Leu; replaces valine 301 with leucine.
Molecular consequence: missense variant. On other transcripts: 5 prime UTR variant (1), non-coding transcript variant (7).
Genome position (GRCh38, 1-based): chr8:69,601,669, G>T. VCF-style: chr8-69601669-G-T. GRCh37 (hg19) VCF-style: chr8-70513904-G-T.
Other names: c.-875G>T (NM_001412846.1); c.901G>T, p.Val301Leu (NM_001412847.1, NM_001412848.1, NM_001412849.1 and 18 more transcripts); c.715G>T, p.Val239Leu (NM_001412841.1, NM_001412842.1); c.301G>T, p.Val101Leu (NM_001412844.1, NM_001412845.1); short protein forms V101L, V239L, V301L.
Identifiers: ClinVar variation 3604521 (VCV003604521.2).

ClinVar aggregate classification (germline): Uncertain significance (1 of 4 stars; one submission).

gnomAD v4.1: 16 of 1,610,150 alleles (0.00099%); highest among the groups gnomAD compares: East Asian, 0.0067%; no homozygotes.

Submission:

Labcorp Genetics (formerly Invitae), Labcorp
Classification: Uncertain significance. Last evaluated: 2024-05-31. Review status: criteria provided, single submitter. Criteria: Invitae Variant Classification Sherloc (09022015). Collection method: clinical testing. Allele origin: germline.
Comment: This sequence change replaces valine, which is neutral and non-polar, with leucine, which is neutral and non-polar, at codon 301 of the SULF1 protein (p.Val301Leu). This variant is present in population databases (no rsID available, gnomAD 0.006%). This variant has not been reported in the literature in individuals affected with SULF1-related conditions. An algorithm developed to predict the effect of missense changes on protein structure and function (PolyPhen-2) suggests that this variant is likely to be tolerated. In summary, the available evidence is currently insufficient to determine the role of this variant in disease. Therefore, it has been classified as a Variant of Uncertain Significance.